The following is an entry in ClinVar:

ClinVar aggregate classification (germline): Uncertain significance. Review status: criteria provided, multiple submitters, no conflicts (2 of 4 stars). 2 submissions from 2 submitters: Uncertain significance (2). Last evaluated 2025-02-07.

Allele frequency attached by ClinVar (database versions not stated): gnomAD exomes below 0.00001.
gnomAD v4.1: 1 of 1,513,454 alleles (0.000066%); highest among the groups gnomAD compares: East Asian, 0.0027%; no homozygotes.

Submissions (2):

GeneDx
Classification: Uncertain significance. Last evaluated: 2025-02-07. Review status: criteria provided, single submitter. Criteria: GeneDx Variant Classification Process June 2021. Collection method: clinical testing. Allele origin: germline. Affected: yes.
Comment: Not observed at significant frequency in large population cohorts (gnomAD); In silico analysis supports that this missense variant has a deleterious effect on protein structure/function; Has not been previously published as pathogenic or benign to our knowledge

Blueprint Genetics
Classification: Uncertain significance. Last evaluated: 2020-12-31. Review status: criteria provided, single submitter. Criteria: ACMG Guidelines, 2015. Collection method: clinical testing. Allele origin: germline.

NM_001127222.2(CACNA1A):c.2875C>T (p.Arg959Cys)

Gene: CACNA1A (calcium voltage-gated channel subunit alpha1 A; minus strand). Cytogenetic location: 19p13.13.
Variant type: single nucleotide variant.
Coding change: c.2875C>T on transcript NM_001127222.2 (MANE Select); coding-DNA position 2875, C replaced by T.
Protein change: p.Arg959Cys; replaces arginine 959 with cysteine.
Molecular consequence: missense variant.
Genome position (GRCh38, 1-based): chr19:13,298,758, G>A on the plus strand (C>T on the coding strand, the complement: CACNA1A is on the minus strand). VCF-style: chr19-13298758-G-A. GRCh37 (hg19) VCF-style: chr19-13409572-G-A.
Other names: c.2887C>T, p.Arg963Cys (NM_000068.4, NM_023035.3); c.2878C>T, p.Arg960Cys (NM_001127221.2, NM_001174080.2); short protein forms R959C, R960C, R963C.
Identifiers: ClinVar variation 1307748 (VCV001307748.4), dbSNP rs2144953917, ClinGen allele CA404342542.
Genomic context (GRCh38, chr19:13,298,758, plus strand): 5'-GCCGCGCCCTCCGCTCCGCCTTGTCCTCCGGACCCTCCTCCCCGGGCCTGCGGTGCGCGC[G>A]ATGACGTCGATGCTCCCCGTCCGCGCCCGTGCGCGGGGACCCGCTGCGGCTCTCCCTGCT-3'
Protein context (NP_001120694.1, residues 949-969): TGADGEHRRH[Arg959Cys]AHRRPGEEGP